The following is an entry in ClinVar:

NM_004304.5(ALK):c.75C>T (p.Thr25=)

Gene: ALK (ALK receptor tyrosine kinase; minus strand). Cytogenetic location: 2p23.1.
Variant type: single nucleotide variant.
Coding change: c.75C>T on transcript NM_004304.5 (MANE Select); coding-DNA position 75, C replaced by T.
Protein change: p.Thr25=; no amino-acid change (threonine 25 retained).
Molecular consequence: synonymous variant.
Genome position (GRCh38, 1-based): chr2:29,920,585, G>A on the plus strand (C>T on the coding strand, the complement: ALK is on the minus strand). VCF-style: chr2-29920585-G-A. GRCh37 (hg19) VCF-style: chr2-30143451-G-A.
Identifiers: ClinVar variation 1144314 (VCV001144314.19), dbSNP rs764176323, ClinGen allele CA1595053.
Genomic context (GRCh38, chr2:29,920,585, plus strand): 5'-GCTGAGTGGCTCCCGGGGCTGCAGCGGCGGCCCCGCAGCTGGGGAGCCCGCGCGCTGGCC[G>A]GTCCCCATCCCGGAGCCCACAGCTGCCGTGGAAAGCAGCAGCGGCAGGAGCCACAGGAGC-3'
Protein context (NP_004295.2, residues 15-35): STAAVGSGMG[Thr25=]GQRAGSPAAG

ClinVar aggregate classification (germline): Likely benign. Review status: criteria provided, multiple submitters, no conflicts (2 of 4 stars). 4 submissions from 4 submitters: Likely benign (4). Last evaluated 2025-11-05.

Conditions:
Hereditary cancer-predisposing syndrome. Also called: Tumor predisposition; Hereditary neoplastic syndrome; Hereditary Cancer Syndrome; Neoplastic Syndromes, Hereditary. Identifiers: Orphanet 140162, MedGen C0027672, MeSH D009386, MONDO:0015356.
Neuroblastoma, susceptibility to, 3. Also called: ALK-Related Neuroblastic Tumor Susceptibility. Identifiers: Orphanet 635, MedGen C2751681, MONDO:0013083, OMIM 613014.

Allele frequency attached by ClinVar (database versions not stated): ExAC 0.00002; gnomAD exomes 0.00002.
gnomAD v4.1: 21 of 1,577,640 alleles (0.0013%); highest among the groups gnomAD compares: South Asian, 0.01%; no homozygotes.

Submissions (4):

Labcorp Genetics (formerly Invitae), Labcorp
Classification: Likely benign for Neuroblastoma, susceptibility to, 3. Last evaluated: 2025-11-05. Review status: criteria provided, single submitter. Criteria: Invitae Variant Classification Sherloc (09022015). Collection method: clinical testing. Allele origin: germline.

CeGaT Center for Human Genetics Tuebingen
Classification: Likely benign. Last evaluated: 2025-09-01. Review status: criteria provided, single submitter. Criteria: CeGaT Center For Human Genetics Tuebingen Variant Classification Criteria Version 2. Collection method: clinical testing. Allele origin: germline. Affected: yes. Observed: 1 variant allele.
Comment: ALK: BP4, BP7

Ambry Genetics
Classification: Likely benign for Hereditary cancer-predisposing syndrome. Last evaluated: 2022-08-03. Review status: criteria provided, single submitter. Criteria: Ambry Variant Classification Scheme 2023. Collection method: clinical testing. Allele origin: germline.

Sema4
Classification: Likely benign for Hereditary cancer-predisposing syndrome. Last evaluated: 2021-06-14. Review status: criteria provided, single submitter. Criteria: Sema4 Curation Guidelines. Collection method: curation. Allele origin: germline.